The following is an entry in ClinVar:

NM_000214.3(JAG1):c.2050G>A (p.Asp684Asn)

Gene: JAG1 (jagged canonical Notch ligand 1; minus strand). Cytogenetic location: 20p12.2.
Variant type: single nucleotide variant.
Coding change: c.2050G>A on transcript NM_000214.3 (MANE Select); coding-DNA position 2050, G replaced by A.
Protein change: p.Asp684Asn; replaces aspartic acid 684 with asparagine.
Molecular consequence: missense variant.
Genome position (GRCh38, 1-based): chr20:10,645,419, C>T on the plus strand (G>A on the coding strand, the complement: JAG1 is on the minus strand). VCF-style: chr20-10645419-C-T. GRCh37 (hg19) VCF-style: chr20-10626067-C-T.
Other names: short protein forms D684N.
Identifiers: ClinVar variation 1480052 (VCV001480052.7), dbSNP rs933125751, ClinGen allele CA311345803.

ClinVar aggregate classification (germline): Uncertain significance. Review status: criteria provided, multiple submitters, no conflicts (2 of 4 stars). 2 submissions from 2 submitters: Uncertain significance (2). Last evaluated 2022-01-13.

Conditions:
Alagille syndrome due to a JAG1 point mutation. Also called: Alagille Syndrome 1; JAG1-Related Alagille Syndrome; HEPATIC DUCTULAR HYPOPLASIA, SYNDROMATIC. Identifiers: Orphanet 261619, Orphanet 52, MedGen C1956125, MONDO:0016862, OMIM 118450.
Tetralogy of Fallot (TOF). Identifiers: Orphanet 3303, MedGen C0039685, MONDO:0008542, OMIM 187500, HP:0001636.
Charcot-Marie-Tooth disease, axonal, Type 2HH. Also called: CHARCOT-MARIE-TOOTH NEUROPATHY, TYPE 2HH. Identifiers: MedGen C5562003, MONDO:0030458, OMIM 619574.
Deafness, congenital heart defects, and posterior embryotoxon (DCHE). Identifiers: MedGen C1866053, MONDO:0060713, OMIM 617992.

Allele frequency attached by ClinVar (database versions not stated): TOPMed below 0.00001.

Submissions (2):

Fulgent Genetics
Classification: Uncertain significance for Alagille syndrome due to a JAG1 point mutation; Tetralogy of Fallot; Deafness, congenital heart defects, and posterior embryotoxon; Charcot-Marie-Tooth disease, axonal, Type 2HH. Last evaluated: 2022-01-13. Review status: criteria provided, single submitter. Criteria: ACMG Guidelines, 2015. Collection method: clinical testing. Allele origin: unknown.

Labcorp Genetics (formerly Invitae), Labcorp
Classification: Uncertain significance for Alagille syndrome due to a JAG1 point mutation. Last evaluated: 2021-09-15. Review status: criteria provided, single submitter. Criteria: Invitae Variant Classification Sherloc (09022015). Collection method: clinical testing. Allele origin: germline.
Comment: This sequence change replaces aspartic acid with asparagine at codon 684 of the JAG1 protein (p.Asp684Asn). The aspartic acid residue is highly conserved and there is a small physicochemical difference between aspartic acid and asparagine. This variant is not present in population databases (ExAC no frequency). In summary, the available evidence is currently insufficient to determine the role of this variant in disease. Therefore, it has been classified as a Variant of Uncertain Significance. Algorithms developed to predict the effect of missense changes on protein structure and function are either unavailable or do not agree on the potential impact of this missense change (SIFT: "Deleterious"; PolyPhen-2: "Probably Damaging"; Align-GVGD: "Class C15"). This variant has not been reported in the literature in individuals affected with JAG1-related conditions.